The following is an entry in ClinVar:

NM_025074.7(FRAS1):c.*1814G>A

Gene: FRAS1 (Fraser extracellular matrix complex subunit 1; plus strand). Cytogenetic location: 4q21.21.
Variant type: single nucleotide variant.
Coding change: c.*1814G>A on transcript NM_025074.7 (MANE Select); 1814 bases downstream of the stop codon, G replaced by A.
Molecular consequence: 3 prime UTR variant.
Genome position (GRCh38, 1-based): chr4:78,542,938, G>A. VCF-style: chr4-78542938-G-A. GRCh37 (hg19) VCF-style: chr4-79464092-G-A.
Identifiers: ClinVar variation 349853 (VCV000349853.6), dbSNP rs17003321, ClinGen allele CA10621769.

ClinVar aggregate classification (germline): Benign. Review status: criteria provided, multiple submitters, no conflicts (2 of 4 stars). 2 submissions from 2 submitters: Benign (2). Last evaluated 2018-01-12.

Conditions:
Fraser syndrome 1 (FRASRS1). Also called: CRYPTOPHTHALMOS WITH OTHER MALFORMATIONS. Identifiers: Orphanet 2052, MedGen C4551480, MONDO:0054737, OMIM 219000.

Allele frequency attached by ClinVar (database versions not stated): gnomAD 0.13541 and 0.13590; TOPMed 0.13948; 1000 Genomes Project 30x 0.18598; 1000 Genomes Project 0.18850.

Submissions (2):

Illumina Laboratory Services, Illumina
Classification: Benign for Fraser syndrome 1. Last evaluated: 2018-01-12. Review status: criteria provided, single submitter. Criteria: ICSL Variant Classification Criteria 13 December 2019. Collection method: clinical testing. Allele origin: germline.
Comment: This variant was observed in the ICSL laboratory as part of a predisposition screen in an ostensibly healthy population. It had not been previously curated by ICSL or reported in the Human Gene Mutation Database (HGMD: prior to June 1st, 2018), and was therefore a candidate for classification through an automated scoring system. Utilizing variant allele frequency, disease prevalence and penetrance estimates, and inheritance mode, an automated score was calculated to assess if this variant is too frequent to cause the disease. Based on the score and internal cut-off values, a variant classified as benign is not then subjected to further curation. The score for this variant resulted in a classification of benign for this disease.

Breakthrough Genomics
Classification: Benign. Review status: criteria provided, single submitter. Criteria: ACMG Guidelines, 2015. Collection method: not provided. Allele origin: germline. Inheritance: Autosomal recessive inheritance. Affected: yes.